The following is an entry in ClinVar:

ClinVar aggregate classification (germline): Uncertain significance. Review status: criteria provided, single submitter (1 of 4 stars). 3 submissions from 3 submitters: Uncertain significance (1). 2 of the submissions do not count toward it.

Conditions:
Diabetes mellitus, permanent neonatal 4. Also called: INS-Related Permanent Neonatal Diabetes Mellitus. Identifiers: MedGen C5394307, MONDO:0030089, OMIM 618858.
Permanent neonatal diabetes mellitus (PNDM). Identifiers: Orphanet 99885, MedGen C1833104, MONDO:0100164, MONDO:0011643. Disease mechanism: gain of function.

Submissions (3):

Clinical Genomics, Uppaluri K&H Personalized Medicine Clinic
Classification: Uncertain significance for Diabetes mellitus, permanent neonatal 4. Review status: criteria provided, single submitter. Criteria: K &amp; H Uppaluri Personalized Medicine Clinic Variant Classification &amp; Assertion Criteria_Updated V.1. Collection method: research. Allele origin: unknown. Inheritance: Autosomal dominant inheritance.
Comment: Potent mutations in the INS gene can cause early onset diabetes mellitus which is insulin dependent. May have poor response to sulfonylureas, mutations in this gene can cause beta cell destruction.However, more evidence is required to confer the association of this particular variant G47V/rs80356667 with Permanent neonatal diabetes mellitus(PNDM)

GeneReviews
No classification provided. Condition: Permanent neonatal diabetes mellitus. Review status: no classification provided. Collection method: literature only. Allele origin: unknown. Not counted in ClinVar's aggregate classification.

UniProtKB/Swiss-Prot
No classification provided. Condition: Permanent neonatal diabetes mellitus. Review status: no classification provided. Collection method: not provided. Allele origin: not provided. Not counted in ClinVar's aggregate classification.

Literature cited by the submitters: PubMed 20938745 (cited by Clinical Genomics, Uppaluri K&H Personalized Medicine Clinic); PubMed 17047922 (cited by GeneReviews); PubMed 18171712 (cited by GeneReviews); PubMed 20301620 (cited by GeneReviews); NCBI Bookshelf NBK1447 (cited by GeneReviews).

NM_000207.3(INS):c.140G>T (p.Gly47Val)

Genes: INS (insulin; minus strand), INS-IGF2 (INS-IGF2 readthrough; minus strand). Cytogenetic location: 11p15.5.
Variant type: single nucleotide variant.
Coding change: c.140G>T on transcript NM_000207.3 (MANE Select); coding-DNA position 140, G replaced by T.
Protein change: p.Gly47Val; replaces glycine 47 with valine.
Molecular consequence: missense variant. On other transcripts: non-coding transcript variant (1).
Genome position (GRCh38, 1-based): chr11:2,160,832, C>A on the plus strand (G>T on the coding strand, the complement: INS is on the minus strand). VCF-style: chr11-2160832-C-A. GRCh37 (hg19) VCF-style: chr11-2182062-C-A.
Other names: c.140G>T, p.Gly47Val (NM_001185097.2, NM_001185098.2, NM_001291897.2 and 1 more transcripts); short protein forms G47V.
Identifiers: ClinVar variation 21115 (VCV000021115.4), dbSNP rs80356667, ClinGen allele CA341643.